The following is an entry in ClinVar:

NM_001384732.1(CPLANE1):c.4481+14C>A

Gene: CPLANE1 (ciliogenesis and planar polarity effector complex subunit 1; minus strand). Cytogenetic location: 5p13.2.
Variant type: single nucleotide variant.
Coding change: c.4481+14C>A on transcript NM_001384732.1 (MANE Select); 14 bases into the intron after coding-DNA position 4481, C replaced by A.
Molecular consequence: intron variant.
Genome position (GRCh38, 1-based): chr5:37,184,774, G>T on the plus strand (C>A on the coding strand, the complement: CPLANE1 is on the minus strand). VCF-style: chr5-37184774-G-T. GRCh37 (hg19) VCF-style: chr5-37184876-G-T.
Other names: c.4481+14C>A (NM_023073.4).
Identifiers: ClinVar variation 513879 (VCV000513879.1), dbSNP rs903055165, ClinGen allele CA117069809.

ClinVar aggregate classification (germline): Likely benign (1 of 4 stars; one submission).

Allele frequency attached by ClinVar (database versions not stated): gnomAD exomes below 0.00001.

Submission:

GeneDx
Classification: Likely benign. Last evaluated: 2017-12-13. Review status: criteria provided, single submitter. Criteria: GeneDx Variant Classification (06012015). Collection method: clinical testing. Allele origin: germline. Affected: yes.
Comment: This variant is considered likely benign or benign based on one or more of the following criteria: it is a conservative change, it occurs at a poorly conserved position in the protein, it is predicted to be benign by multiple in silico algorithms, and/or has population frequency not consistent with disease.